The following is an entry in ClinVar:

NM_024652.6(LRRK1):c.3441C>A (p.Ala1147=)

Genes: LRRK1 (leucine rich repeat kinase 1; plus strand), LRRK1-AS1 (LRRK1 antisense RNA 1; minus strand). Cytogenetic location: 15q26.3.
Variant type: single nucleotide variant.
Coding change: c.3441C>A on transcript NM_024652.6 (MANE Select); coding-DNA position 3441, C replaced by A.
Protein change: p.Ala1147=; no amino-acid change (alanine 1147 retained).
Molecular consequence: synonymous variant.
Genome position (GRCh38, 1-based): chr15:101,051,712, C>A. VCF-style: chr15-101051712-C-A. GRCh37 (hg19) VCF-style: chr15-101591917-C-A.
Other names: c.3441C>A (NM_024652.5).
Identifiers: ClinVar variation 714676 (VCV000714676.12), dbSNP rs116807808, ClinGen allele CA7761533.
Genomic context (GRCh38, chr15:101,051,712, plus strand): 5'-CGGGGGGCCCTCCTGCACCACCTTCTTGTGAAGCTGTCTCCTGCTCTGTCCTTATTTAGC[C>A]CTGACAGCCACAGAGAGCGACGGGACGCCACTCATGGAGCAGTACGTGCCCTGCCCGGTC-3'
Protein context (NP_078928.3, residues 1137-1157): VNSLIDQWFP[Ala1147=]LTATESDGTP

ClinVar aggregate classification (germline): Benign. Review status: criteria provided, multiple submitters, no conflicts (2 of 4 stars). 3 submissions from 3 submitters: Benign (2). 1 of the submissions does not count toward it. Last evaluated 2026-01-19.

Conditions:
LRRK1-related disorder. Also called: LRRK1-related condition.

Allele frequency attached by ClinVar (database versions not stated): ESP Exome Variant Server 0.00843; 1000 Genomes Project 0.00879; 1000 Genomes Project 30x 0.00906; gnomAD 0.00907 and 0.00985; TOPMed 0.00992.
gnomAD v4.1: 2,682 of 1,613,496 alleles (0.17%); highest among the groups gnomAD compares: African/African-American, 3.3%; 50 homozygotes.

Submissions (3):

Labcorp Genetics (formerly Invitae), Labcorp
Classification: Benign. Last evaluated: 2026-01-19. Review status: criteria provided, single submitter. Criteria: Invitae Variant Classification Sherloc (09022015). Collection method: clinical testing. Allele origin: germline.

Breakthrough Genomics
Classification: Benign. Review status: criteria provided, single submitter. Criteria: ACMG Guidelines, 2015. Collection method: not provided. Allele origin: germline. Inheritance: Autosomal recessive inheritance. Affected: yes.

PreventionGenetics, part of Exact Sciences
Classification: Benign for LRRK1-related condition. Last evaluated: 2019-02-18. Review status: no assertion criteria provided. Collection method: clinical testing. Allele origin: germline. Not counted in ClinVar's aggregate classification.
Comment: This variant is classified as benign based on ACMG/AMP sequence variant interpretation guidelines (Richards et al. 2015 PMID: 25741868, with internal and published modifications).